The following is an entry in ClinVar:

ClinVar aggregate classification (germline): Uncertain significance (1 of 4 stars; one submission).

Allele frequency attached by ClinVar (database versions not stated): gnomAD exomes below 0.00001; gnomAD 0.00001; TOPMed 0.00001.
gnomAD v4.1: 1 of 1,614,014 alleles (0.000062%); highest among the groups gnomAD compares: African/African-American, 0.0013%; no homozygotes.

Submission:

Labcorp Genetics (formerly Invitae), Labcorp
Classification: Uncertain significance. Last evaluated: 2020-03-31. Review status: criteria provided, single submitter. Criteria: Invitae Variant Classification Sherloc (09022015). Collection method: clinical testing. Allele origin: germline.
Comment: In summary, the available evidence is currently insufficient to determine the role of this variant in disease. Therefore, it has been classified as a Variant of Uncertain Significance. Algorithms developed to predict the effect of missense changes on protein structure and function are either unavailable or do not agree on the potential impact of this missense change (SIFT: "Deleterious"; PolyPhen-2: "Possibly Damaging"; Align-GVGD: "Class C15"). This variant has not been reported in the literature in individuals with DHX38-related conditions. This variant is not present in population databases (ExAC no frequency). This sequence change replaces lysine with glutamic acid at codon 1019 of the DHX38 protein (p.Lys1019Glu). The lysine residue is highly conserved and there is a small physicochemical difference between lysine and glutamic acid.

NM_014003.4(DHX38):c.3055A>G (p.Lys1019Glu)

Genes: DHX38 (DEAH-box helicase 38; plus strand), LOC126862391 (CDK7 strongly-dependent group 2 enhancer GRCh37_chr16:72141414-72142613; plus strand). Cytogenetic location: 16q22.2.
Variant type: single nucleotide variant.
Coding change: c.3055A>G on transcript NM_014003.4 (MANE Select); coding-DNA position 3055, A replaced by G.
Protein change: p.Lys1019Glu; replaces lysine 1019 with glutamic acid.
Molecular consequence: missense variant.
Genome position (GRCh38, 1-based): chr16:72,108,317, A>G. VCF-style: chr16-72108317-A-G. GRCh37 (hg19) VCF-style: chr16-72142216-A-G.
Other names: short protein forms K1019E.
Identifiers: ClinVar variation 1038013 (VCV001038013.10), dbSNP rs1404849186, ClinGen allele CA396715776.